The following is an entry in ClinVar:

ClinVar aggregate classification (germline): Likely benign. Review status: criteria provided, multiple submitters, no conflicts (2 of 4 stars). 3 submissions from 3 submitters: Likely benign (3). Last evaluated 2026-06-20.

Conditions:
Primary ciliary dyskinesia. Also called: Ciliary dyskinesia. Identifiers: Orphanet 244, MedGen C0008780, MONDO:0016575, HP:0012265.

Allele frequency attached by ClinVar (database versions not stated): gnomAD exomes 0.00002; gnomAD 0.00003; ExAC 0.00006.
gnomAD v4.1: 39 of 1,602,876 alleles (0.0024%); highest among the groups gnomAD compares: East Asian, 0.029%; no homozygotes.

Submissions (3):

Ambry Genetics
Classification: Likely benign for Primary ciliary dyskinesia. Last evaluated: 2026-06-20. Review status: criteria provided, single submitter. Criteria: Ambry Variant Classification Scheme 2023. Collection method: clinical testing. Allele origin: germline.

Labcorp Genetics (formerly Invitae), Labcorp
Classification: Likely benign for Primary ciliary dyskinesia. Last evaluated: 2026-01-06. Review status: criteria provided, single submitter. Criteria: Invitae Variant Classification Sherloc (09022015). Collection method: clinical testing. Allele origin: germline.

CeGaT Center for Human Genetics Tuebingen
Classification: Likely benign. Last evaluated: 2022-05-01. Review status: criteria provided, single submitter. Criteria: CeGaT Center For Human Genetics Tuebingen Variant Classification Criteria Version 2. Collection method: clinical testing. Allele origin: germline. Affected: yes. Observed: 1 variant allele.
Comment: DNAAF1: BP4, BP7

NM_178452.6(DNAAF1):c.1431G>A (p.Pro477=)

Gene: DNAAF1 (dynein axonemal assembly factor 1; plus strand). Cytogenetic location: 16q24.1.
Variant type: single nucleotide variant.
Coding change: c.1431G>A on transcript NM_178452.6 (MANE Select); coding-DNA position 1431, G replaced by A.
Protein change: p.Pro477=; no amino-acid change (proline 477 retained).
Molecular consequence: synonymous variant.
Genome position (GRCh38, 1-based): chr16:84,170,259, G>A. VCF-style: chr16-84170259-G-A. GRCh37 (hg19) VCF-style: chr16-84203865-G-A.
Other names: c.723G>A, p.Pro241= (NM_001318756.1); c.1431G>A (NM_178452.4).
Identifiers: ClinVar variation 2646907 (VCV002646907.27), dbSNP rs375509327, ClinGen allele CA8202857.
Genomic context (GRCh38, chr16:84,170,259, plus strand): 5'-AGAGGATGGAGATCAAGAGCCAGAGGGGACCCTCCCAGCTGAGACCCTGCTACTGTCACC[G>A]CCTGTGAAGGTTAAAGGAGAGGATGGAGATCGAGAGCCAGAGGGGACCCTCCCAGCTGAG-3'
Protein context (NP_848547.4, residues 467-487): TLPAETLLLS[Pro477=]PVKVKGEDGD